The following is an entry in ClinVar:

ClinVar aggregate classification (germline): Pathogenic (1 of 4 stars; one submission).

Submission:

Labcorp Genetics (formerly Invitae), Labcorp
Classification: Pathogenic. Last evaluated: 2024-05-31. Review status: criteria provided, single submitter. Criteria: Invitae Variant Classification Sherloc (09022015). Collection method: clinical testing. Allele origin: germline.
Comment: This sequence change creates a premature translational stop signal (p.Gln908*) in the COL11A2 gene. It is expected to result in an absent or disrupted protein product. Loss-of-function variants in COL11A2 are known to be pathogenic (PMID: 10677296, 21204229). This variant is not present in population databases (gnomAD no frequency). This variant has not been reported in the literature in individuals affected with COL11A2-related conditions. For these reasons, this variant has been classified as Pathogenic.

Literature cited by the submitters: PubMed 10677296; PubMed 21204229.

NM_080680.3(COL11A2):c.2722C>T (p.Gln908Ter)

Gene: COL11A2 (collagen type XI alpha 2 chain; minus strand). Cytogenetic location: 6p21.32.
Variant type: single nucleotide variant.
Coding change: c.2722C>T on transcript NM_080680.3 (MANE Select); coding-DNA position 2722, C replaced by T.
Protein change: p.Gln908Ter; replaces glutamine 908 with a stop codon.
Molecular consequence: nonsense.
Genome position (GRCh38, 1-based): chr6:33,173,362, G>A on the plus strand (C>T on the coding strand, the complement: COL11A2 is on the minus strand). VCF-style: chr6-33173362-G-A. GRCh37 (hg19) VCF-style: chr6-33141139-G-A.
Other names: c.2542C>T, p.Gln848Ter (NM_001424108.1); c.1876C>T, p.Gln626Ter (NM_001424109.1); c.1696C>T, p.Gln566Ter (NM_001424110.1, NM_001424111.1); c.676C>T, p.Gln226Ter (NM_001424112.1); c.2401C>T, p.Gln801Ter (NM_080679.3); c.2464C>T, p.Gln822Ter (NM_080681.3); short protein forms Q822*, Q908*, Q801*, Q226*, Q848*, Q566*, Q626*.
Identifiers: ClinVar variation 3670587 (VCV003670587.2).